The following is an entry in ClinVar:

NM_017662.5(TRPM6):c.2319G>C (p.Gln773His)

Gene: TRPM6 (transient receptor potential cation channel subfamily M member 6; minus strand). Cytogenetic location: 9q21.13.
Variant type: single nucleotide variant.
Coding change: c.2319G>C on transcript NM_017662.5 (MANE Select); coding-DNA position 2319, G replaced by C.
Protein change: p.Gln773His; replaces glutamine 773 with histidine.
Molecular consequence: missense variant.
Genome position (GRCh38, 1-based): chr9:74,796,813, C>G on the plus strand (G>C on the coding strand, the complement: TRPM6 is on the minus strand). VCF-style: chr9-74796813-C-G. GRCh37 (hg19) VCF-style: chr9-77411729-C-G.
Other names: c.2304G>C, p.Gln768His (NM_001177310.2, NM_001177311.2); short protein forms Q773H, Q768H.
Identifiers: ClinVar variation 367317 (VCV000367317.18), dbSNP rs143164660, ClinGen allele CA5084600.

ClinVar aggregate classification (germline): Conflicting classifications of pathogenicity. Review status: criteria provided, conflicting classifications (1 of 4 stars). 5 submissions from 5 submitters: Uncertain significance (2); Likely benign (2). 1 of the submissions does not count toward it. Last evaluated 2026-01-25.

Conditions:
TRPM6-related disorder. Also called: TRPM6-related condition.
Intestinal hypomagnesemia 1. Also called: HYPOMAGNESEMIA, INTESTINAL, WITH SECONDARY HYPOCALCEMIA; HYPOMAGNESEMIC TETANY. Identifiers: Orphanet 30924, MedGen C1865974, MONDO:0011176, OMIM 602014.

Allele frequency attached by ClinVar (database versions not stated): gnomAD exomes 0.00164 and 0.00217; ExAC 0.00175; TOPMed 0.00181; gnomAD 0.00195 and 0.00198; 1000 Genomes Project 0.00200; 1000 Genomes Project 30x 0.00234; ESP Exome Variant Server 0.00246.

Submissions (5):

Labcorp Genetics (formerly Invitae), Labcorp
Classification: Likely benign. Last evaluated: 2026-01-25. Review status: criteria provided, single submitter. Criteria: Invitae Variant Classification Sherloc (09022015). Collection method: clinical testing. Allele origin: germline.

Women's Health and Genetics/Laboratory Corporation of America, LabCorp
Classification: Likely benign. Last evaluated: 2025-10-08. Review status: criteria provided, single submitter. Criteria: LabCorp Variant Classification Summary - May 2015. Collection method: clinical testing. Allele origin: germline.
Comment: Variant summary: TRPM6 c.2319G>C (p.Gln773His) results in a non-conservative amino acid change in the encoded protein sequence. Algorithms developed to predict the effect of missense changes on protein structure and function are either unavailable or do not agree on the potential impact of this missense change. The variant allele was found at a frequency of 0.0016 in 251440 control chromosomes, predominantly at a frequency of 0.0025 within the Non-Finnish European subpopulation in the gnomAD database. The observed variant frequency within Non-Finnish European control individuals in the gnomAD database exceeds the estimated maximal expected allele frequency for disease-causing variants in TRPM6. To our knowledge, no occurrence of c.2319G>C in individuals affected with TRPM6-related conditions and no experimental evidence demonstrating its impact on protein function have been reported. ClinVar contains an entry for this variant (Variation ID: 367317). Based on the evidence outlined above, the variant was classified as likely benign.

GeneDx
Classification: Uncertain significance. Last evaluated: 2022-02-15. Review status: criteria provided, single submitter. Criteria: GeneDx Variant Classification Process June 2021. Collection method: clinical testing. Allele origin: germline. Affected: yes.
Comment: In silico analysis supports that this missense variant has a deleterious effect on protein structure/function; Observed by exome sequencing in an fetus with edema, severe oligohydramnios, and megacystis microcolon intestinal hypoperistalsis syndrome in published literature (Halim et al., 2017); the fetus also harbored other possible causal variants in other genes; This variant is associated with the following publications: (PMID: 28602422)

Illumina Laboratory Services, Illumina
Classification: Uncertain significance for Intestinal hypomagnesemia 1. Last evaluated: 2018-01-13. Review status: criteria provided, single submitter. Criteria: ICSL Variant Classification Criteria 13 December 2019. Collection method: clinical testing. Allele origin: germline.

PreventionGenetics, part of Exact Sciences
Classification: Likely benign for TRPM6-related condition. Last evaluated: 2024-01-10. Review status: no assertion criteria provided. Collection method: clinical testing. Allele origin: germline. Not counted in ClinVar's aggregate classification.
Comment: This variant is classified as likely benign based on ACMG/AMP sequence variant interpretation guidelines (Richards et al. 2015 PMID: 25741868, with internal and published modifications).